The following is an entry in ClinVar:

ClinVar aggregate classification (germline): Uncertain significance (1 of 4 stars; one submission).

Conditions:
Autoimmune lymphoproliferative syndrome type 2A (ALPS2A). Also called: Autoimmune lymphoproliferative syndrome type 2; CASP10-Related Autoimmune Lymphoproliferative Syndrome; AUTOIMMUNE LYMPHOPROLIFERATIVE SYNDROME, TYPE IIA. Identifiers: Orphanet 3261, MedGen C1858968, MONDO:0011383, OMIM 603909.

gnomAD v4.1: 11 of 1,613,716 alleles (0.00068%); highest among the groups gnomAD compares: Non-Finnish European, 0.00085%; no homozygotes.

Submission:

Labcorp Genetics (formerly Invitae), Labcorp
Classification: Uncertain significance for Autoimmune lymphoproliferative syndrome type 2A. Last evaluated: 2022-10-27. Review status: criteria provided, single submitter. Criteria: Invitae Variant Classification Sherloc (09022015). Collection method: clinical testing. Allele origin: germline.
Comment: In summary, the available evidence is currently insufficient to determine the role of this variant in disease. Therefore, it has been classified as a Variant of Uncertain Significance. Advanced modeling of protein sequence and biophysical properties (such as structural, functional, and spatial information, amino acid conservation, physicochemical variation, residue mobility, and thermodynamic stability) performed at Invitae indicates that this missense variant is not expected to disrupt CASP10 protein function. This variant has not been reported in the literature in individuals affected with CASP10-related conditions. This variant is not present in population databases (gnomAD no frequency). This sequence change replaces glutamine, which is neutral and polar, with glutamic acid, which is acidic and polar, at codon 301 of the CASP10 protein (p.Gln301Glu).

NM_032977.4(CASP10):c.901C>G (p.Gln301Glu)

Gene: CASP10 (caspase 10; plus strand). Cytogenetic location: 2q33.1.
Variant type: single nucleotide variant.
Coding change: c.901C>G on transcript NM_032977.4 (MANE Select); coding-DNA position 901, C replaced by G.
Protein change: p.Gln301Glu; replaces glutamine 301 with glutamic acid.
Molecular consequence: missense variant. On other transcripts: intron variant (1).
Genome position (GRCh38, 1-based): chr2:201,208,162, C>G. VCF-style: chr2-201208162-C-G. GRCh37 (hg19) VCF-style: chr2-202072885-C-G.
Other names: c.772C>G, p.Gln258Glu (NM_001206542.2, NM_001230.5); c.901C>G, p.Gln301Glu (NM_032974.5); c.809C>G, p.Thr270Arg (NM_032976.4); c.722-908C>G (NM_001206524.2); short protein forms T270R, Q258E, Q301E.
Identifiers: ClinVar variation 2931869 (VCV002931869.3), dbSNP rs936253557, ClinGen allele CA350286855.
Genomic context (GRCh38, chr2:201,208,162, plus strand): 5'-AACCACAGAGGCCTCTGTGTCATTGTCAACAACCACAGCTTTACCTCCCTGAAGGACAGA[C>G]AAGGAACCCATAAAGATGCTGGTAAGAAAGTCTGGAACAGTTTATCAAATGCAAATTGGG-3'
Protein context (NP_116759.2, residues 291-311): NHSFTSLKDR[Gln301Glu]GTHKDAEILS